The following is an entry in ClinVar:

NM_206933.4(USH2A):c.1679C>A (p.Pro560His)

Gene: USH2A (usherin; minus strand). Cytogenetic location: 1q41.
Variant type: single nucleotide variant.
Coding change: c.1679C>A on transcript NM_206933.4 (MANE Select); coding-DNA position 1679, C replaced by A.
Protein change: p.Pro560His; replaces proline 560 with histidine.
Molecular consequence: missense variant.
Genome position (GRCh38, 1-based): chr1:216,292,336, G>T on the plus strand (C>A on the coding strand, the complement: USH2A is on the minus strand). VCF-style: chr1-216292336-G-T. GRCh37 (hg19) VCF-style: chr1-216465678-G-T.
Other names: c.1679C>A, p.Pro560His (NM_007123.6); short protein forms P560H.
Identifiers: ClinVar variation 963157 (VCV000963157.9), dbSNP rs753669484, ClinGen allele CA344903454.

ClinVar aggregate classification (germline): Uncertain significance (1 of 4 stars; one submission).

Submission:

Labcorp Genetics (formerly Invitae), Labcorp
Classification: Uncertain significance. Last evaluated: 2020-11-10. Review status: criteria provided, single submitter. Criteria: Invitae Variant Classification Sherloc (09022015). Collection method: clinical testing. Allele origin: germline.
Comment: This sequence change replaces proline with histidine at codon 560 of the USH2A protein (p.Pro560His). The proline residue is highly conserved and there is a moderate physicochemical difference between proline and histidine. This variant is not present in population databases (ExAC no frequency). This variant has not been reported in the literature in individuals with USH2A-related conditions. Algorithms developed to predict the effect of missense changes on protein structure and function are either unavailable or do not agree on the potential impact of this missense change (SIFT: "Deleterious"; PolyPhen-2: "Probably Damaging"; Align-GVGD: "Class C15"). In summary, the available evidence is currently insufficient to determine the role of this variant in disease. Therefore, it has been classified as a Variant of Uncertain Significance.